The following is an entry in ClinVar:

ClinVar aggregate classification (germline): Uncertain significance (1 of 4 stars; one submission).

Conditions:
Hereditary cancer-predisposing syndrome. Also called: Neoplastic Syndromes, Hereditary; Hereditary Cancer Syndrome; Hereditary neoplastic syndrome; Tumor predisposition. Identifiers: Orphanet 140162, MedGen C0027672, MeSH D009386, MONDO:0015356.

Allele frequency attached by ClinVar (database versions not stated): gnomAD exomes below 0.00001.
gnomAD v4.1: 1 of 1,612,844 alleles (0.000062%); highest among the groups gnomAD compares: Non-Finnish European, 0.000085%; no homozygotes.

Submission:

Ambry Genetics
Classification: Uncertain significance for Hereditary cancer-predisposing syndrome. Last evaluated: 2023-04-26. Review status: criteria provided, single submitter. Criteria: Ambry Variant Classification Scheme 2023. Collection method: clinical testing. Allele origin: germline.
Comment: The p.H126Y variant (also known as c.376C>T), located in coding exon 4 of the MRE11A gene, results from a C to T substitution at nucleotide position 376. The histidine at codon 126 is replaced by tyrosine, an amino acid with similar properties. This amino acid position is highly conserved in available vertebrate species. In addition, this alteration is predicted to be deleterious by in silico analysis. Since supporting evidence is limited at this time, the clinical significance of this alteration remains unclear.

NM_005591.4(MRE11):c.376C>T (p.His126Tyr)

Gene: MRE11 (MRE11 double strand break repair nuclease; minus strand). Cytogenetic location: 11q21.
Variant type: single nucleotide variant.
Coding change: c.376C>T on transcript NM_005591.4 (MANE Select); coding-DNA position 376, C replaced by T.
Protein change: p.His126Tyr; replaces histidine 126 with tyrosine.
Molecular consequence: missense variant.
Genome position (GRCh38, 1-based): chr11:94,479,700, G>A on the plus strand (C>T on the coding strand, the complement: MRE11 is on the minus strand). VCF-style: chr11-94479700-G-A. GRCh37 (hg19) VCF-style: chr11-94212866-G-A.
Other names: c.376C>T, p.His126Tyr (NM_001330347.2, NM_005590.4); short protein forms H126Y.
Identifiers: ClinVar variation 2565899 (VCV002565899.2), dbSNP rs2135090994, ClinGen allele CA382378351.
Genomic context (GRCh38, chr11:94,479,700, plus strand): 5'-AAATTCCAACAAACTCTAAGAAAACAATAATTACCCCTGTGGGATCGTCATGATTGCCAT[G>A]AATACTAAACACTGGAATTGAAATGTTGAGGTTGCCATCTTGATAGTTCACCCATGGAAA-3'
Protein context (NP_005582.1, residues 116-136): LNISIPVFSI[His126Tyr]GNHDDPTGAD